The following is an entry in ClinVar:

ClinVar aggregate classification (germline): Benign/Likely benign. Review status: criteria provided, multiple submitters, no conflicts (2 of 4 stars). 8 submissions from 8 submitters: Benign (5); Likely benign (1). 2 of the submissions do not count toward it. Last evaluated 2026-02-03.

Conditions:
Cardiovascular phenotype. Identifiers: MedGen CN230736.
Long QT syndrome (LQTS). Identifiers: MedGen C0023976, MeSH D008133, MONDO:0002442. Disease mechanism: loss of function. Inheritance: Various modes of inheritance.
Long QT syndrome 12 (LQT12). Identifiers: Orphanet 101016, Orphanet 768, MedGen C2751830, MONDO:0013062, OMIM 612955.

Allele frequency attached by ClinVar (database versions not stated): gnomAD exomes 0.00204 and 0.00499; ESP Exome Variant Server 0.02076; ExAC 0.00601; gnomAD 0.02196 and 0.02058; TOPMed 0.02299; 1000 Genomes Project 0.02496; 1000 Genomes Project 30x 0.02733.
gnomAD v4.1: 6,329 of 1,613,822 alleles (0.39%); highest among the groups gnomAD compares: African/African-American, 7.3%; 205 homozygotes.

Submissions (8):

Labcorp Genetics (formerly Invitae), Labcorp
Classification: Benign for Long QT syndrome. Last evaluated: 2026-02-03. Review status: criteria provided, single submitter. Criteria: Invitae Variant Classification Sherloc (09022015). Collection method: clinical testing. Allele origin: germline.

ARUP Laboratories, Molecular Genetics and Genomics, ARUP Laboratories
Classification: Benign for Long QT syndrome 12. Last evaluated: 2021-07-10. Review status: criteria provided, single submitter. Criteria: ARUP Molecular Germline Variant Investigation Process 2021. Collection method: clinical testing. Allele origin: germline.

Illumina Laboratory Services, Illumina
Classification: Benign for Long QT syndrome 12. Last evaluated: 2018-01-12. Review status: criteria provided, single submitter. Criteria: ICSL Variant Classification Criteria 13 December 2019. Collection method: clinical testing. Allele origin: germline.
Comment: This variant was observed in the ICSL laboratory as part of a predisposition screen in an ostensibly healthy population. It had not been previously curated by ICSL or reported in the Human Gene Mutation Database (HGMD: prior to June 1st, 2018), and was therefore a candidate for classification through an automated scoring system. Utilizing variant allele frequency, disease prevalence and penetrance estimates, and inheritance mode, an automated score was calculated to assess if this variant is too frequent to cause the disease. Based on the score and internal cut-off values, a variant classified as benign is not then subjected to further curation. The score for this variant resulted in a classification of benign for this disease.

Ambry Genetics
Classification: Benign for Cardiovascular phenotype. Last evaluated: 2015-08-10. Review status: criteria provided, single submitter. Criteria: Ambry Variant Classification Scheme 2023. Collection method: clinical testing. Allele origin: germline.

GeneDx
Classification: Benign. Last evaluated: 2015-03-03. Review status: criteria provided, single submitter. Criteria: GeneDx Variant Classification Process June 2021. Collection method: clinical testing. Allele origin: germline. Affected: yes.

Breakthrough Genomics
Classification: Likely benign. Review status: criteria provided, single submitter. Criteria: ACMG Guidelines, 2015. Collection method: not provided. Allele origin: germline. Inheritance: Autosomal dominant inheritance. Affected: yes.

Clinical Genetics, Academic Medical Center
Classification: Benign. Review status: no assertion criteria provided. Collection method: clinical testing. Allele origin: germline. Affected: yes. Study: VKGL Data-share Consensus. Not counted in ClinVar's aggregate classification.

Joint Genome Diagnostic Labs from Nijmegen and Maastricht, Radboudumc and MUMC+
Classification: Benign. Review status: no assertion criteria provided. Collection method: clinical testing. Allele origin: germline. Affected: yes. Study: VKGL Data-share Consensus. Not counted in ClinVar's aggregate classification.

NM_003098.3(SNTA1):c.807T>C (p.Asn269=)

Gene: SNTA1 (syntrophin alpha 1; minus strand). Cytogenetic location: 20q11.21.
Variant type: single nucleotide variant.
Coding change: c.807T>C on transcript NM_003098.3 (MANE Select); coding-DNA position 807, T replaced by C.
Protein change: p.Asn269=; no amino-acid change (asparagine 269 retained).
Molecular consequence: synonymous variant.
Genome position (GRCh38, 1-based): chr20:33,412,677, A>G on the plus strand (T>C on the coding strand, the complement: SNTA1 is on the minus strand). VCF-style: chr20-33412677-A-G. GRCh37 (hg19) VCF-style: chr20-32000483-A-G.
Identifiers: ClinVar variation 263424 (VCV000263424.31), dbSNP rs73270015, ClinGen allele CA9817141.